The following is an entry in ClinVar:

ClinVar aggregate classification (germline): Uncertain significance (1 of 4 stars; one submission).

Conditions:
Hypertrophic cardiomyopathy 26. Also called: Cardiomyopathy, familial hypertrophic, 26. Identifiers: Orphanet 75249, MedGen C4310749, MONDO:0014883, OMIM 617047.
Myofibrillar myopathy 5. Also called: Filaminopathy (type); FILAMINOPATHY, AUTOSOMAL DOMINANT. Identifiers: Orphanet 171445, MedGen C1836050, MONDO:0012289, OMIM 609524.
Distal myopathy with posterior leg and anterior hand involvement. Also called: WILLIAMS DISTAL MYOPATHY. Identifiers: Orphanet 63273, MedGen C3279722, MONDO:0013550, OMIM 614065.

Allele frequency attached by ClinVar (database versions not stated): gnomAD exomes below 0.00001.
gnomAD v4.1: 1 of 1,611,486 alleles (0.000062%); highest among the groups gnomAD compares: Non-Finnish European, 0.000085%; no homozygotes.

Submission:

Labcorp Genetics (formerly Invitae), Labcorp
Classification: Uncertain significance for Distal myopathy with posterior leg and anterior hand involvement; Myofibrillar myopathy 5; Hypertrophic cardiomyopathy 26. Last evaluated: 2023-05-02. Review status: criteria provided, single submitter. Criteria: Invitae Variant Classification Sherloc (09022015). Collection method: clinical testing. Allele origin: germline.
Comment: In summary, the available evidence is currently insufficient to determine the role of this variant in disease. Therefore, it has been classified as a Variant of Uncertain Significance. Advanced modeling of protein sequence and biophysical properties (such as structural, functional, and spatial information, amino acid conservation, physicochemical variation, residue mobility, and thermodynamic stability) has been performed at Invitae for this missense variant, however the output from this modeling did not meet the statistical confidence thresholds required to predict the impact of this variant on FLNC protein function. This variant has not been reported in the literature in individuals affected with FLNC-related conditions. This variant is not present in population databases (gnomAD no frequency). This sequence change replaces proline, which is neutral and non-polar, with serine, which is neutral and polar, at codon 1051 of the FLNC protein (p.Pro1051Ser).

NM_001458.5(FLNC):c.3151C>T (p.Pro1051Ser)

Gene: FLNC (filamin C; plus strand). Cytogenetic location: 7q32.1.
Variant type: single nucleotide variant.
Coding change: c.3151C>T on transcript NM_001458.5 (MANE Select); coding-DNA position 3151, C replaced by T.
Protein change: p.Pro1051Ser; replaces proline 1051 with serine.
Molecular consequence: missense variant.
Genome position (GRCh38, 1-based): chr7:128,844,225, C>T. VCF-style: chr7-128844225-C-T. GRCh37 (hg19) VCF-style: chr7-128484279-C-T.
Other names: c.3151C>T, p.Pro1051Ser (NM_001127487.2); short protein forms P1051S.
Identifiers: ClinVar variation 2947422 (VCV002947422.3), dbSNP rs2536635855, ClinGen allele CA369194596.